The following is an entry in ClinVar:

ClinVar aggregate classification (germline): Pathogenic (1 of 4 stars; one submission).

Submission:

Labcorp Genetics (formerly Invitae), Labcorp
Classification: Pathogenic. Last evaluated: 2017-11-29. Review status: criteria provided, single submitter. Criteria: Invitae Variant Classification Sherloc (09022015). Collection method: clinical testing. Allele origin: germline.
Comment: For these reasons, this variant has been classified as Pathogenic. Loss-of-function variants in C2CD3 are known to be pathogenic (PMID: 24997988). This variant has not been reported in the literature in individuals with C2CD3-related disease. This variant is not present in population databases (ExAC no frequency). This sequence change creates a premature translational stop signal (p.Tyr1802Leufs*13) in the C2CD3 gene. It is expected to result in an absent or disrupted protein product.

Literature cited by the submitters: PubMed 24997988.

NM_001286577.2(C2CD3):c.5405del (p.Tyr1802fs)

Gene: C2CD3 (C2 domain containing 3 centriole elongation regulator; minus strand). Cytogenetic location: 11q13.4.
Variant type: Deletion.
Coding change: c.5405del on transcript NM_001286577.2 (MANE Select); coding-DNA position 5405, one base deleted (A; older notation c.5405delA).
Protein change: p.Tyr1802fs; shifts the reading frame from tyrosine 1802.
Molecular consequence: frameshift variant.
Genome position (GRCh38, 1-based): chr11:74,048,295, T deleted on the plus strand (A on the coding strand, the reverse complement: C2CD3 is on the minus strand). VCF-style (leftmost placement, unchanged base first): chr11-74048294-AT-A. GRCh37 (hg19) VCF-style: chr11-73759339-AT-A.
Other names: c.5405del, p.Tyr1802fs (NM_015531.6); short protein forms Y1802fs.
Identifiers: ClinVar variation 1070295 (VCV001070295.7), dbSNP rs2135428776, ClinGen allele CA2499221298.